The following is an entry in ClinVar:

ClinVar aggregate classification (germline): Uncertain significance (1 of 4 stars; one submission).

Conditions:
Intellectual developmental disorder with speech delay, autism, and dysmorphic facies. Identifiers: MedGen C5231456, MONDO:0032864, OMIM 618672.

Submission:

Institute of Human Genetics, University of Leipzig Medical Center
Classification: Uncertain significance for Intellectual developmental disorder with speech delay, autism, and dysmorphic facies. Last evaluated: 2024-03-20. Review status: criteria provided, single submitter. Criteria: ACMG Guidelines, 2015. Collection method: clinical testing. Allele origin: unknown. Affected: yes.
Comment: Criteria applied: PM2_SUP,PP2

NM_014516.4(CNOT3):c.461G>T (p.Arg154Leu)

Gene: CNOT3 (CCR4-NOT transcription complex subunit 3; plus strand). Cytogenetic location: 19q13.42.
Variant type: single nucleotide variant.
Coding change: c.461G>T on transcript NM_014516.4 (MANE Select); coding-DNA position 461, G replaced by T.
Protein change: p.Arg154Leu; replaces arginine 154 with leucine.
Molecular consequence: missense variant.
Genome position (GRCh38, 1-based): chr19:54,144,310, G>T. VCF-style: chr19-54144310-G-T. GRCh37 (hg19) VCF-style: chr19-54648046-G-T.
Other names: short protein forms R154L.
Identifiers: ClinVar variation 3068457 (VCV003068457.2), dbSNP rs2517391941, ClinGen allele CA407760548.